The following is an entry in ClinVar:

ClinVar aggregate classification (germline): Pathogenic (1 of 4 stars; one submission).

Conditions:
CHARGE syndrome (CHARGE). Also called: Coloboma, heart anomaly, choanal atresia, retardation, genital and ear anomalies; CHARGE association; Hall-Hittner syndrome; Hittner Hirsch Kreh syndrome; CHARGE ASSOCIATION--COLOBOMA, HEART ANOMALY, CHOANAL ATRESIA, RETARDATION, GENITAL AND EAR ANOMALIES. Identifiers: Orphanet 138, MedGen C0265354, MONDO:0008965.

Submission:

Labcorp Genetics (formerly Invitae), Labcorp
Classification: Pathogenic for CHARGE syndrome. Last evaluated: 2021-11-12. Review status: criteria provided, single submitter. Criteria: Invitae Variant Classification Sherloc (09022015). Collection method: clinical testing. Allele origin: germline.
Comment: This sequence change creates a premature translational stop signal (p.Asp774Glufs*23) in the CHD7 gene. It is expected to result in an absent or disrupted protein product. Loss-of-function variants in CHD7 are known to be pathogenic (PMID: 22461308, 25077900). This variant is not present in population databases (gnomAD no frequency). This variant has not been reported in the literature in individuals affected with CHD7-related conditions. For these reasons, this variant has been classified as Pathogenic.

Literature cited by the submitters: PubMed 22461308; PubMed 25077900.

NM_017780.4(CHD7):c.2321dup (p.Asp774fs)

Gene: CHD7 (chromodomain helicase DNA binding protein 7; plus strand). Cytogenetic location: 8q12.2.
Variant type: Duplication.
Coding change: c.2321dup on transcript NM_017780.4 (MANE Select); coding-DNA position 2321, one base duplicated (A; older notation c.2321dupA).
Protein change: p.Asp774fs; shifts the reading frame from aspartic acid 774.
Molecular consequence: frameshift variant. On other transcripts: intron variant (1).
Genome position (GRCh38, 1-based): chr8:60,800,470, A duplicated. VCF-style (leftmost placement, unchanged base first): chr8-60800469-G-GA. GRCh37 (hg19) VCF-style: chr8-61713028-G-GA.
Other names: c.1716+19420dup (NM_001316690.1); short protein forms D774fs.
Identifiers: ClinVar variation 1417688 (VCV001417688.6), dbSNP rs2150708918, ClinGen allele CA2573143297.